The following is an entry in ClinVar:

ClinVar aggregate classification (germline): Uncertain significance (1 of 4 stars; one submission).

Submission:

GeneDx
Classification: Uncertain significance. Last evaluated: 2025-06-11. Review status: criteria provided, single submitter. Criteria: GeneDx Variant Classification Process June 2021. Collection method: clinical testing. Allele origin: germline. Affected: yes.
Comment: Not observed at significant frequency in large population cohorts (gnomAD); In silico analysis supports that this missense variant has a deleterious effect on protein structure/function; Has not been previously published as pathogenic or benign to our knowledge

NM_001395002.1(MAP4K4):c.80T>A (p.Leu27Gln)

Gene: MAP4K4 (mitogen-activated protein kinase kinase kinase kinase 4; plus strand). Cytogenetic location: 2q11.2.
Variant type: single nucleotide variant.
Coding change: c.80T>A on transcript NM_001395002.1 (MANE Select); coding-DNA position 80, T replaced by A.
Protein change: p.Leu27Gln; replaces leucine 27 with glutamine.
Molecular consequence: missense variant. On other transcripts: non-coding transcript variant (4).
Genome position (GRCh38, 1-based): chr2:101,698,495, T>A. VCF-style: chr2-101698495-T-A. GRCh37 (hg19) VCF-style: chr2-102314957-T-A.
Other names: c.80T>A, p.Leu27Gln (NM_001242559.2, NM_001242560.2, NM_001384476.1 and 28 more transcripts); c.53T>A, p.Leu18Gln (NM_001384549.1, NM_001384550.1, NM_001384551.1 and 16 more transcripts); short protein forms L18Q, L27Q.
Identifiers: ClinVar variation 4537694 (VCV004537694.1).